The following is an entry in ClinVar:

NM_004614.5(TK2):c.71_72insTT (p.Pro25fs)

Genes: TK2 (thymidine kinase 2; minus strand), LOC130059156 (ATAC-STARR-seq lymphoblastoid silent region 7560; plus strand). Cytogenetic location: 16q21.
Variant type: Insertion.
Coding change: c.71_72insTT on transcript NM_004614.5 (MANE Select); coding-DNA positions 71 to 72, TT inserted.
Protein change: p.Pro25fs; shifts the reading frame from proline 25.
Molecular consequence: frameshift variant. On other transcripts: 5 prime UTR variant (2), non-coding transcript variant (1), intron variant (2).
Genome position: GRCh38 VCF-style: chr16-66549990-G-GAA. GRCh37 (hg19) VCF-style: chr16-66583893-G-GAA.
Other names: c.71_72insTT, p.Pro25fs (NM_001172644.2, NM_001172645.2); c.-172_-171insTT (NM_001271934.2); c.-582_-581insTT (NM_001272050.2); c.31+262_31+263insTT (NM_001271935.1, NM_001172643.1); short protein forms P25fs.
Identifiers: ClinVar variation 1677093 (VCV001677093.1), dbSNP rs2144497920, ClinGen allele CA2573152526.

ClinVar aggregate classification (germline): Likely pathogenic (1 of 4 stars; one submission).

Conditions:
Mitochondrial DNA depletion syndrome. Also called: mitochondrial DNA depletion. Identifiers: Orphanet 35698, MedGen C0342782, MONDO:0018158.

Submission:

Women's Health and Genetics/Laboratory Corporation of America, LabCorp
Classification: Likely pathogenic for Mitochondrial DNA depletion syndrome. Last evaluated: 2022-03-12. Review status: criteria provided, single submitter. Criteria: LabCorp Variant Classification Summary - May 2015. Collection method: clinical testing. Allele origin: germline.
Comment: Variant summary: TK2 c.71_72insTT (p.Pro25SerfsX29) results in a premature termination codon, predicted to cause a truncation of the encoded protein or absence of the protein due to nonsense mediated decay, which are commonly known mechanisms for disease. Truncations downstream of this position have not been observed at our laboratory but have been reported with an associated phenotype of Mitochondrial DNA Depletion Syndrome in the HGMD database. The variant was absent in 115230 control chromosomes. To our knowledge, no occurrence of c.71_72insTT in individuals affected with Mitochondrial DNA Depletion Syndrome - TK2 Related and no experimental evidence demonstrating its impact on protein function have been reported. No clinical diagnostic laboratories have submitted clinical-significance assessments for this variant to ClinVar after 2014. Based on the evidence outlined above, the variant was classified as likely pathogenic.